The following is an entry in ClinVar:

NM_000104.4(CYP1B1):c.1200_1209dup (p.Thr404fs)

Gene: CYP1B1 (cytochrome P450 family 1 subfamily B member 1; minus strand). Cytogenetic location: 2p22.2.
Variant type: Duplication.
Coding change: c.1200_1209dup on transcript NM_000104.4 (MANE Select); coding-DNA positions 1200 to 1209, 10 bases duplicated (TCATGCCACC; older notation c.1200_1209dupTCATGCCACC).
Protein change: p.Thr404fs; shifts the reading frame from threonine 404.
Molecular consequence: frameshift variant.
Genome position (GRCh38, 1-based): chr2:38,071,145-38,071,154, GGTGGCATGA duplicated on the plus strand (TCATGCCACC on the coding strand, the reverse complement: CYP1B1 is on the minus strand); duplicating any 10 consecutive bases within chr2:38,071,145-38,071,156 gives the same sequence; the c. name uses the placement nearest the transcript's 3' end. VCF-style (leftmost placement, unchanged base first): chr2-38071144-T-TGGTGGCATGA. GRCh37 (hg19) VCF-style: chr2-38298287-T-TGGTGGCATGA.
Other names: NM_000104.4(CYP1B1):c.1200_1209dup; p.Thr404fs; c.1200_1209dupTCATGCCACC (NM_000104.3); c.1200_1209dup10 (NM_000104.3, NM_000104.4); short protein forms T404fs.
Identifiers: ClinVar variation 68466 (VCV000068466.74), dbSNP rs587778873, ClinGen allele CA145181.
Genomic context (GRCh38, chr2:38,071,144, plus strand): 5'-GGTTGACAAAAACCACAGTGTCCTTGGGAATGTGGTAGCCCAAGACAGAGGTGTTGGCAG[T>TGGTGGCATGA]GGTGGCATGAGGAATAGTGACAGGCACAAAGCTGGAGAAGCGCATGGCTTCATAAAGGAA-3'

ClinVar aggregate classification (germline): Pathogenic. Review status: reviewed by expert panel (3 of 4 stars). 22 submissions from 21 submitters: Pathogenic (1). 21 of the submissions do not count toward it. Last evaluated 2025-11-19.

Conditions:
Congenital glaucoma. Identifiers: MedGen C0020302, MONDO:0020366.
Anterior segment dysgenesis 6 (ASGD6). Also called: Anterior segment dysgenesis 6, multiple subtypes. Identifiers: MedGen C4310623, MONDO:0015016, OMIM 617315.
CYP1B1-related disorder. Also called: CYP1B1-Related Disorders. Identifiers: MedGen CN239260.
Structural eye disease.
CYP1B1-related glaucoma with or without anterior segment dysgenesis. Identifiers: MedGen CN375931, MONDO:0800472.
Fetal anomalies with a likely genetic cause.
Glaucoma 3A. Also called: Glaucoma 3, primary congenital, A. Identifiers: Orphanet 98976, Orphanet 98977, MedGen C1856439, MONDO:0009277, OMIM 231300.
Anterior segment dysgenesis. Also called: Ocular anterior segment dysgenesis. Identifiers: Orphanet 88632, MedGen C1862839, MONDO:0019503, HP:0007700.
Irido-corneo-trabecular dysgenesis (ASGD5). Also called: ANTERIOR SEGMENT DYSGENESIS 5. Identifiers: Orphanet 708, MedGen C0344559, MONDO:0011414, OMIM 604229, HP:0000659.
Primary congenital glaucoma. Also called: Primary congenital glaucoma (disease). Identifiers: MedGen C1533041, MONDO:0000365, HP:0008007.

Submissions 1 to 7 of 22:

ClinGen Glaucoma Variant Curation Expert Panel
Classification: Pathogenic for CYP1B1-related glaucoma with or without anterior segment dysgenesis. Last evaluated: 2025-11-19. Review status: reviewed by expert panel. Criteria: ClinGen CYP1B1 ACMG Specifications V1 Approved. Collection method: curation. Allele origin: germline. Inheritance: Autosomal recessive inheritance.
Comment: The c.1200_1209dup variant in CYP1B1 is a deletion of 10 consecutive nucleotides, predicted to encode a frameshift with consequent premature termination of the protein at codon 30 of the frameshift (p.Thr404SerfsTer30). The highest minor allele frequency of this variant was in the Admixed American genetic ancestry group of gnomAD (v4.1) = 0.0005832 (35 alleles out of 60,014), which did not meet the PM2_Supporting allele frequency threshold (≤ 0.0005) or the BS1 allele frequency threshold (≥ 0.01). This frameshift variant was not predicted to undergo NMD but removes the haem-binding domain (PVS1 met). There was no functional evidence predicting a damaging or benign impact of this variant on CYP1B1 function. 3 affected segregations with a CYP1B1-related phenotype have been reported (PMIDs: 12567107, 14729846), which fulfilled PP1_Strong. There were more family studies published than presented here. This variant has been identified in five individuals with a CYP1B1-related phenotype. Three of these individuals are compound heterozygous for the variant and a pathogenic or likely pathogenic variant (confirmed in trans) for the variant and two individuals are homozygous (non-consanguineous) for the variant (PMIDs: 14729846, 17893647, 23218183, 11558822, 23922489). Total proband points = 4, meeting PM3_Very strong. There were more cases published than presented here. One assumed de novo proband with PCG phenotype has been identified (PMID: 23218701). Total proband points = 0.5, meeting PS2_Supporting. In summary, this variant met the criteria to receive a score of 21 and to be classified as pathogenic (pathogenic classification ≥ 10, adapted from PMID: 32720330) for CYP1B1- related glaucoma with or without anterior segment dysgenesis (ASD) based on the ACMG/AMP criteria met, as specified by the ClinGen Glaucoma VCEP (v1.0, 06.11.2025): PVS1, PM3_Very strong, PP1_Strong, PS2_Supporting.

Genetics Laboratory, Great Ormond Street Hospital NHS Foundation Trust, North Thames Genomic Laboratory Hub
Classification: Pathogenic for Fetal anomalies with a likely genetic cause. Last evaluated: 2026-09-08. Review status: criteria provided, single submitter. Criteria: ACGS Best Practice Guidelines for Variant Classification in Rare Disease 2024 v1.2. Collection method: clinical testing. Allele origin: germline. Affected: yes. Not counted in ClinVar's aggregate classification.
Comment: PM2_moderate, PVS1_strong, PM3_very-strong

Women's Health and Genetics/Laboratory Corporation of America, LabCorp
Classification: Pathogenic for Primary congenital glaucoma. Last evaluated: 2026-05-18. Review status: criteria provided, single submitter. Criteria: LabCorp Variant Classification Summary - May 2015. Collection method: clinical testing. Allele origin: germline. Not counted in ClinVar's aggregate classification.
Comment: Variant summary: CYP1B1 c.1200_1209dup10 (p.Thr404SerfsX30) results in a premature termination codon in the last exon and is predicted to cause a truncation of the encoded protein or absence of the protein, however, nonsense mediated decay is not expected to occur. The variant allele was found at a frequency of 0.00023 in 251052 control chromosomes. This frequency is not significantly higher than estimated for disease-causing variants in CYP1B1, allowing no conclusion about variant significance. c.1200_1209dup10 has been observed as a biallelic genotype in individuals affected with Primary Congenital Glaucoma and has been found to segregate with the phenotype within families (e.g. Lopez-Garrido_2013). These data indicate that the variant is likely to be associated with disease. The following publication has been ascertained in the context of this evaluation (PMID: 23218183). ClinVar contains an entry for this variant (Variation ID: 68466). Based on the evidence outlined above, the variant was classified as pathogenic.

PreventionGenetics, part of Exact Sciences
Classification: Pathogenic for CYP1B1-related condition. Last evaluated: 2026-04-27. Review status: criteria provided, single submitter. Criteria: ACMG Guidelines, 2015. Collection method: clinical testing. Allele origin: germline. Not counted in ClinVar's aggregate classification.
Comment: The CYP1B1 c.1200_1209dup10 variant is predicted to result in a frameshift and premature protein termination (p.Thr404Serfs*30). This variant has been reported along with a second causative variant in CYP1B1 in patients with congenital glaucoma and additional systemic anomalies, Peters anomaly, and/or anterior polar cataracts (see for examples Reis et al. 2016. PubMed ID: 27272408; Prokudin et al. 2014. PubMed ID: 24281366; García-Antón et al. 2017. PubMed ID: 28448622). This variant is reported in 0.068% of alleles in individuals of Latino descent in gnomAD. Frameshift variants in CYP1B1 are expected to be pathogenic, and this variant has been classified as pathogenic by the ClinGen Glaucoma Variant Curation Expert Panel (Variation ID: 68466). Given all the evidence, we interpret c.1200_1209dup (p.Thr404Serfs*30) as pathogenic.

Dasa
Classification: Pathogenic. Last evaluated: 2026-03-16. Review status: criteria provided, single submitter. Criteria: DASA Assertion Criteria. Collection method: clinical testing. Allele origin: germline. Not counted in ClinVar's aggregate classification.
Comment: NM_000104.4(CYP1B1):c.1200_1209dup (p.Thr404SerfsTer30) is a frameshift variant in CYP1B1 predicted to alter the reading frame and introduce a premature termination codon and is predicted to result in an absent or altered protein product. Loss of function is an established disease mechanism for CYP1B1-associated disorders. Segregation data support an association with disease in the reported family/families (PMID: 9497261; PMID: 17591938; PMID: 28448622). This variant has been recurrently observed in individuals with CYP1B1-related disorders (PMID: 9497261; PMID: 17591938; PMID: 28448622). Also, this variant is rare in population databases. Based on the currently available evidence, this variant is classified as pathogenic.

Labcorp Genetics (formerly Invitae), Labcorp
Classification: Pathogenic for Congenital glaucoma. Last evaluated: 2026-01-24. Review status: criteria provided, single submitter. Criteria: Invitae Variant Classification Sherloc (09022015). Collection method: clinical testing. Allele origin: germline. Not counted in ClinVar's aggregate classification.
Comment: This sequence change creates a premature translational stop signal (p.Thr404Serfs*30) in the CYP1B1 gene. While this is not anticipated to result in nonsense mediated decay, it is expected to disrupt the last 140 amino acid(s) of the CYP1B1 protein. This variant is present in population databases (rs587778873, gnomAD 0.06%). This premature translational stop signal has been observed in individuals with Peters anomaly and primary congenital glaucoma (PMID: 9497261, 17591938, 19234632, 23922489, 24281366, 27272408, 28448622). It has also been observed to segregate with disease in related individuals. This variant is also known as c.1546dup10, c.1571_1580dup, and c.1198_1207dup. ClinVar contains an entry for this variant (Variation ID: 68466). For these reasons, this variant has been classified as Pathogenic.

Variantyx, Inc.
Classification: Pathogenic for Glaucoma 3A. Last evaluated: 2025-09-30. Review status: criteria provided, single submitter. Criteria: Variantyx Assertion Criteria 2022. Collection method: clinical testing. Allele origin: germline. Inheritance: Autosomal recessive inheritance. Affected: no. Not counted in ClinVar's aggregate classification.
Comment: This is a frameshift variant in the CYP1B1 gene (OMIM: 601771). Pathogenic variants in this gene have been associated with autosomal recessive primary congenital glaucoma 3A. This variant introduces a premature termination codon in exon 3 out of 3 and is expected to result in loss of function, which is a known disease mechanism for CYP1B1 in this disorder (PMID: 17914928) (PVS1). It has been identified in the homozygous or compound heterozygous state in, at least six individuals reported in the published literature (PMID: 9497261, 17591938) (PM3_Strong) and it has a 0.0583% maximum allele frequency in non-founder control populations (PM2). Based on the current evidence, this variant is classified as pathogenic for autosomal recessive primary congenital glaucoma 3A.